The following is an entry in ClinVar:

ClinVar aggregate classification (germline): Uncertain significance (1 of 4 stars; one submission).

Conditions:
Developmental and epileptic encephalopathy, 1 (DEE1). Also called: X-linked infantile spasms; West's syndrome; Tonic spasms with clustering, arrest of psychomotor development and hypsarrhythmia on EEG; X-Linked Infantile Spasm Syndrome; OHTAHARA SYNDROME, X-LINKED; Epileptic encephalopathy, early infantile, 1. Identifiers: MedGen C3463992, MONDO:0010632, OMIM 308350. Disease mechanism: loss of function.
Autosomal dominant nonsyndromic hearing loss 65. Also called: Deafness, autosomal dominant 65; TBC1D24-Related Autosomal Dominant Nonsyndromic Hearing Loss (DFNA). Identifiers: Orphanet 90635, MedGen C3892048, MONDO:0014470, OMIM 616044.

Allele frequency attached by ClinVar (database versions not stated): gnomAD exomes below 0.00001.

Submission:

Labcorp Genetics (formerly Invitae), Labcorp
Classification: Uncertain significance for Developmental and epileptic encephalopathy, 1; Autosomal dominant nonsyndromic hearing loss 65. Last evaluated: 2025-06-02. Review status: criteria provided, single submitter. Criteria: Invitae Variant Classification Sherloc (09022015). Collection method: clinical testing. Allele origin: germline.
Comment: This sequence change replaces threonine, which is neutral and polar, with alanine, which is neutral and non-polar, at codon 30 of the TBC1D24 protein (p.Thr30Ala). This variant is not present in population databases (gnomAD no frequency). This variant has not been reported in the literature in individuals affected with TBC1D24-related conditions. ClinVar contains an entry for this variant (Variation ID: 1043816). Invitae Evidence Modeling of protein sequence and biophysical properties (such as structural, functional, and spatial information, amino acid conservation, physicochemical variation, residue mobility, and thermodynamic stability) indicates that this missense variant is not expected to disrupt TBC1D24 protein function with a negative predictive value of 80%. In summary, the available evidence is currently insufficient to determine the role of this variant in disease. Therefore, it has been classified as a Variant of Uncertain Significance.

NM_001199107.2(TBC1D24):c.88A>G (p.Thr30Ala)

Gene: TBC1D24 (TBC1 domain family member 24; plus strand). Cytogenetic location: 16p13.3.
Variant type: single nucleotide variant.
Coding change: c.88A>G on transcript NM_001199107.2 (MANE Select); coding-DNA position 88, A replaced by G.
Protein change: p.Thr30Ala; replaces threonine 30 with alanine.
Molecular consequence: missense variant.
Genome position (GRCh38, 1-based): chr16:2,496,236, A>G. VCF-style: chr16-2496236-A-G. GRCh37 (hg19) VCF-style: chr16-2546237-A-G.
Other names: c.88A>G, p.Thr30Ala (NM_020705.3); short protein forms T30A.
Identifiers: ClinVar variation 1043816 (VCV001043816.9), dbSNP rs2065736000, ClinGen allele CA394374471.
Genomic context (GRCh38, chr16:2,496,236, plus strand): 5'-GTGGACAAAGACAAGATGGACGCTGCCATCCAGGACCTGGGGCCCAAGGAGCTGAGCTGC[A>G]CTGAACTGCAGGAACTGAAGCAGCTGGCGCGCCAGGGCTACTGGGCCCAAAGCCACGCCC-3'
Protein context (NP_001186036.1, residues 20-40): QDLGPKELSC[Thr30Ala]ELQELKQLAR